The following is an entry in ClinVar:

ClinVar aggregate classification (germline): Uncertain significance. Review status: criteria provided, multiple submitters, no conflicts (2 of 4 stars). 3 submissions from 3 submitters: Uncertain significance (2). 1 of the submissions does not count toward it. Last evaluated 2022-07-25.

Conditions:
Retinitis pigmentosa 25 (RP25). Identifiers: Orphanet 791, MedGen C1864446, MONDO:0011272, OMIM 602772.

Allele frequency attached by ClinVar (database versions not stated): gnomAD 0.00001; gnomAD exomes 0.00002; TOPMed 0.00002.
gnomAD v4.1: 30 of 1,551,076 alleles (0.0019%); highest among the groups gnomAD compares: Non-Finnish European, 0.0025%; no homozygotes.

Submissions (3):

Labcorp Genetics (formerly Invitae), Labcorp
Classification: Uncertain significance. Last evaluated: 2022-07-25. Review status: criteria provided, single submitter. Criteria: Invitae Variant Classification Sherloc (09022015). Collection method: clinical testing. Allele origin: germline.
Comment: This sequence change replaces threonine, which is neutral and polar, with lysine, which is basic and polar, at codon 2805 of the EYS protein (p.Thr2805Lys). This variant is present in population databases (rs752557263, gnomAD 0.005%). This variant has not been reported in the literature in individuals affected with EYS-related conditions. ClinVar contains an entry for this variant (Variation ID: 965104). Algorithms developed to predict the effect of missense changes on protein structure and function are either unavailable or do not agree on the potential impact of this missense change (SIFT: "Deleterious"; PolyPhen-2: "Possibly Damaging"; Align-GVGD: "Class C0"). In summary, the available evidence is currently insufficient to determine the role of this variant in disease. Therefore, it has been classified as a Variant of Uncertain Significance.

Blueprint Genetics
Classification: Uncertain significance. Last evaluated: 2019-02-21. Review status: criteria provided, single submitter. Criteria: ACMG Guidelines, 2015. Collection method: clinical testing. Allele origin: germline.

Natera, Inc.
Classification: Uncertain significance for Retinitis pigmentosa type 25. Last evaluated: 2020-11-16. Review status: no assertion criteria provided. Collection method: clinical testing. Allele origin: germline. Not counted in ClinVar's aggregate classification.

NM_001142800.2(EYS):c.8414C>A (p.Thr2805Lys)

Genes: EYS (EGF-like photoreceptor maintenance factor; minus strand), PHF3 (PHD finger protein 3; plus strand). Cytogenetic location: 6q12.
Variant type: single nucleotide variant.
Coding change: c.8414C>A on transcript NM_001142800.2 (MANE Select); coding-DNA position 8414, C replaced by A.
Protein change: p.Thr2805Lys; replaces threonine 2805 with lysine.
Molecular consequence: missense variant. On other transcripts: 3 prime UTR variant (5).
Genome position (GRCh38, 1-based): chr6:63,721,617, G>T on the plus strand (C>A on the coding strand, the complement: EYS is on the minus strand). VCF-style: chr6-63721617-G-T. GRCh37 (hg19) VCF-style: chr6-64431513-G-T.
Other names: c.*7909G>T (NM_001290259.2, NM_001370348.2, NM_001370349.2 and 2 more transcripts); c.8477C>A, p.Thr2826Lys (NM_001292009.2); short protein forms T2805K, T2826K.
Identifiers: ClinVar variation 965104 (VCV000965104.8), dbSNP rs752557263, ClinGen allele CA140236856.